The following is an entry in ClinVar:

ClinVar aggregate classification (germline): Pathogenic. Review status: criteria provided, multiple submitters, no conflicts (2 of 4 stars). 2 submissions from 2 submitters: Pathogenic (2). Last evaluated 2024-05-10.

Conditions:
Autosomal recessive congenital ichthyosis 4A (LI2). Also called: ICHTHYOSIS CONGENITA IIB. Identifiers: Orphanet 313, MedGen C1832550, MONDO:0011026, OMIM 601277.
Autosomal recessive congenital ichthyosis 4B (ARCI4B). Also called: HARLEQUIN ICHTHYOSIS; Harlequin Fetus; ICHTHYOSIS CONGENITA, HARLEQUIN FETUS TYPE; Ichthyosis, congenital, autosomal recessive 4B (harlequin). Identifiers: Orphanet 457, MedGen C0598226, MONDO:0009443, OMIM 242500.

Allele frequency attached by ClinVar (database versions not stated): gnomAD exomes below 0.00001; ExAC 0.00001; gnomAD 0.00001.
gnomAD v4.1: 6 of 1,613,686 alleles (0.00037%); highest among the groups gnomAD compares: South Asian, 0.0011%; no homozygotes.

Submissions (2):

Fulgent Genetics
Classification: Pathogenic for Autosomal recessive congenital ichthyosis 4B; Autosomal recessive congenital ichthyosis 4A. Last evaluated: 2024-05-10. Review status: criteria provided, single submitter. Criteria: ACMG Guidelines, 2015. Collection method: clinical testing. Allele origin: germline.

Labcorp Genetics (formerly Invitae), Labcorp
Classification: Pathogenic. Last evaluated: 2023-12-04. Review status: criteria provided, single submitter. Criteria: Invitae Variant Classification Sherloc (09022015). Collection method: clinical testing. Allele origin: germline.
Comment: This sequence change creates a premature translational stop signal (p.Arg1515*) in the ABCA12 gene. It is expected to result in an absent or disrupted protein product. Loss-of-function variants in ABCA12 are known to be pathogenic (PMID: 20672373). The frequency data for this variant in the population databases is considered unreliable, as metrics indicate poor data quality at this position in the gnomAD database. This premature translational stop signal has been observed in individual(s) with congenital ichthyosis (PMID: 21168995). Algorithms developed to predict the effect of sequence changes on RNA splicing suggest that this variant may disrupt the consensus splice site. For these reasons, this variant has been classified as Pathogenic.

Literature cited by the submitters: PubMed 20672373 (cited by Labcorp Genetics (formerly Invitae), Labcorp); PubMed 21168995 (cited by Labcorp Genetics (formerly Invitae), Labcorp).

NM_173076.3(ABCA12):c.4543C>T (p.Arg1515Ter)

Gene: ABCA12 (ATP binding cassette subfamily A member 12; minus strand). Cytogenetic location: 2q35.
Variant type: single nucleotide variant.
Coding change: c.4543C>T on transcript NM_173076.3 (MANE Select); coding-DNA position 4543, C replaced by T.
Protein change: p.Arg1515Ter; replaces arginine 1515 with a stop codon.
Molecular consequence: nonsense. On other transcripts: non-coding transcript variant (1).
Genome position (GRCh38, 1-based): chr2:214,982,223, G>A on the plus strand (C>T on the coding strand, the complement: ABCA12 is on the minus strand). VCF-style: chr2-214982223-G-A. GRCh37 (hg19) VCF-style: chr2-215846947-G-A.
Other names: c.3589C>T, p.Arg1197Ter (NM_015657.4); short protein forms R1515*, R1197*.
Identifiers: ClinVar variation 2734376 (VCV002734376.4), dbSNP rs748413124, ClinGen allele CA2091458.